The following is an entry in ClinVar:

ClinVar aggregate classification (germline): Uncertain significance (1 of 4 stars; one submission).

Conditions:
Amyotrophic lateral sclerosis type 8 (ALS8). Identifiers: Orphanet 803, MedGen C1837728, MONDO:0012077, OMIM 608627.
Adult-onset proximal spinal muscular atrophy, autosomal dominant. Also called: FINKEL LATE-ADULT TYPE SMA; Spinal muscular atrophy, late-onset, finkel type. Identifiers: Orphanet 209335, MedGen C1854058, MONDO:0008453, OMIM 182980.

Submission:

Labcorp Genetics (formerly Invitae), Labcorp
Classification: Uncertain significance for Adult-onset proximal spinal muscular atrophy, autosomal dominant; Amyotrophic lateral sclerosis type 8. Last evaluated: 2022-10-23. Review status: criteria provided, single submitter. Criteria: Invitae Variant Classification Sherloc (09022015). Collection method: clinical testing. Allele origin: germline.
Comment: This sequence change replaces aspartic acid, which is acidic and polar, with histidine, which is basic and polar, at codon 101 of the VAPB protein (p.Asp101His). This variant is present in population databases (no rsID available, gnomAD 0.0009%). This variant has not been reported in the literature in individuals affected with VAPB-related conditions. Advanced modeling of protein sequence and biophysical properties (such as structural, functional, and spatial information, amino acid conservation, physicochemical variation, residue mobility, and thermodynamic stability) performed at Invitae indicates that this missense variant is expected to disrupt VAPB protein function. In summary, the available evidence is currently insufficient to determine the role of this variant in disease. Therefore, it has been classified as a Variant of Uncertain Significance.

NM_004738.5(VAPB):c.301G>C (p.Asp101His)

Gene: VAPB (VAMP associated protein B and C; plus strand). Cytogenetic location: 20q13.32.
Variant type: single nucleotide variant.
Coding change: c.301G>C on transcript NM_004738.5 (MANE Select); coding-DNA position 301, G replaced by C.
Protein change: p.Asp101His; replaces aspartic acid 101 with histidine.
Molecular consequence: missense variant. On other transcripts: intron variant (1).
Genome position (GRCh38, 1-based): chr20:58,434,691, G>C. VCF-style: chr20-58434691-G-C. GRCh37 (hg19) VCF-style: chr20-57009747-G-C.
Other names: c.212-9386G>C (NM_001195677.2); short protein forms D101H.
Identifiers: ClinVar variation 2047468 (VCV002047468.4), dbSNP rs764656858, ClinGen allele CA409439248.
Genomic context (GRCh38, chr20:58,434,691, plus strand): 5'-AATGAGAAAAGTAAACACAAGTTTATGGTTCAGTCTATGTTTGCTCCAACTGACACTTCA[G>C]ATATGGAAGCAGTAGTAAGTACTGAATGCTTCTTATTTTTTTCAGTAACAATAATTTAAA-3'
Protein context (NP_004729.1, residues 91-111): QSMFAPTDTS[Asp101His]MEAVWKEAKP